The following is an entry in ClinVar:

NM_002692.4(POLE2):c.1441G>A (p.Ala481Thr)

Gene: POLE2 (DNA polymerase epsilon 2, accessory subunit; minus strand). Cytogenetic location: 14q21.3.
Variant type: single nucleotide variant.
Coding change: c.1441G>A on transcript NM_002692.4 (MANE Select); coding-DNA position 1441, G replaced by A.
Protein change: p.Ala481Thr; replaces alanine 481 with threonine.
Molecular consequence: missense variant.
Genome position (GRCh38, 1-based): chr14:49,650,321, C>T on the plus strand (G>A on the coding strand, the complement: POLE2 is on the minus strand). VCF-style: chr14-49650321-C-T. GRCh37 (hg19) VCF-style: chr14-50117039-C-T.
Other names: c.1441G>A (NM_002692.3); c.1363G>A, p.Ala455Thr (NM_001197330.2); c.1441G>A, p.Ala481Thr (NM_001197331.3); c.1438G>A, p.Ala480Thr (NM_001348384.2); c.1210G>A, p.Ala404Thr (NM_001348385.2); short protein forms A480T, A404T, A455T, A481T.
Identifiers: ClinVar variation 2970555 (VCV002970555.4), dbSNP rs909248958, ClinGen allele CA260684719.
Genomic context (GRCh38, chr14:49,650,321, plus strand): 5'-TTACAGGGTTTATGCAGAGGCATTCGGTATTTGTCGTAGTGAAAGGATCATATTTGTCTG[C>T]AATGACAAGTAGATCGGGCACAGGATACACTCTCAAAGCATAGTCATATGCCCAATACAC-3'
Protein context (NP_002683.2, residues 471-491): VYPVPDLLVI[Ala481Thr]DKYDPFTTTN

ClinVar aggregate classification (germline): Uncertain significance. Review status: criteria provided, multiple submitters, no conflicts (2 of 4 stars). 2 submissions from 2 submitters: Uncertain significance (2). Last evaluated 2025-03-01.

Allele frequency attached by ClinVar (database versions not stated): gnomAD exomes below 0.00001; gnomAD 0.00002.

Submissions (2):

Ambry Genetics
Classification: Uncertain significance. Last evaluated: 2025-03-01. Review status: criteria provided, single submitter. Criteria: Ambry Variant Classification Scheme 2023. Collection method: clinical testing. Allele origin: germline.

Labcorp Genetics (formerly Invitae), Labcorp
Classification: Uncertain significance. Last evaluated: 2024-10-22. Review status: criteria provided, single submitter. Criteria: Invitae Variant Classification Sherloc (09022015). Collection method: clinical testing. Allele origin: germline.
Comment: This sequence change replaces alanine, which is neutral and non-polar, with threonine, which is neutral and polar, at codon 481 of the POLE2 protein (p.Ala481Thr). This variant is present in population databases (no rsID available, gnomAD 0.008%). This variant has not been reported in the literature in individuals affected with POLE2-related conditions. An algorithm developed to predict the effect of missense changes on protein structure and function (PolyPhen-2) suggests that this variant is likely to be disruptive. In summary, the available evidence is currently insufficient to determine the role of this variant in disease. Therefore, it has been classified as a Variant of Uncertain Significance.